The following is an entry in ClinVar:

NM_017841.4(SDHAF2):c.93C>G (p.Phe31Leu)

Gene: SDHAF2 (succinate dehydrogenase complex assembly factor 2; plus strand). Cytogenetic location: 11q12.2.
Variant type: single nucleotide variant.
Coding change: c.93C>G on transcript NM_017841.4 (MANE Select); coding-DNA position 93, C replaced by G.
Protein change: p.Phe31Leu; replaces phenylalanine 31 with leucine.
Molecular consequence: missense variant.
Genome position (GRCh38, 1-based): chr11:61,437,681, C>G. VCF-style: chr11-61437681-C-G. GRCh37 (hg19) VCF-style: chr11-61205153-C-G.
Other names: short protein forms F31L.
Identifiers: ClinVar variation 4533117 (VCV004533117.2).
Genomic context (GRCh38, chr11:61,437,681, plus strand): 5'-TCAGATGCTTGCTCTGTCAAGGCACAGCCTATTGTCTCCTTTGCTCAGTGTGACATCATT[C>G]AGACGCTTCTACAGAGGTGACAGCCCAACAGATTCCCAAAAGGACATGATTGAAATCCCT-3'
Protein context (NP_060311.1, residues 21-41): LLSPLLSVTS[Phe31Leu]RRFYRGDSPT

ClinVar aggregate classification (germline): Uncertain significance. Review status: criteria provided, multiple submitters, no conflicts (2 of 4 stars). 2 submissions from 2 submitters: Uncertain significance (2). Last evaluated 2025-09-19.

Conditions:
Hereditary cancer-predisposing syndrome. Also called: Tumor predisposition; Hereditary Cancer Syndrome; Hereditary neoplastic syndrome; Neoplastic Syndromes, Hereditary. Identifiers: Orphanet 140162, MedGen C0027672, MeSH D009386, MONDO:0015356.

gnomAD v4.1: 8 of 1,614,194 alleles (0.0005%); highest among the groups gnomAD compares: South Asian, 0.0088%; no homozygotes.

Submissions (2):

Ambry Genetics
Classification: Uncertain significance for Hereditary cancer-predisposing syndrome. Last evaluated: 2025-09-19. Review status: criteria provided, single submitter. Criteria: Ambry Variant Classification Scheme 2023. Collection method: clinical testing. Allele origin: germline.
Comment: The p.F31L variant (also known as c.93C>G), located in coding exon 2 of the SDHAF2 gene, results from a C to G substitution at nucleotide position 93. The phenylalanine at codon 31 is replaced by leucine, an amino acid with highly similar properties. This amino acid position is conserved. In addition, this alteration is predicted to be tolerated by in silico analysis. Based on the available evidence, the clinical significance of this variant remains unclear.

Quest Diagnostics Nichols Institute San Juan Capistrano
Classification: Uncertain significance. Last evaluated: 2025-03-31. Review status: criteria provided, single submitter. Criteria: Quest Diagnostics criteria. Collection method: clinical testing. Allele origin: unknown.
Comment: The SDHAF2 c.93C>G (p.Phe31Leu) variant has not been reported in individuals with SDHAF2-related conditions in the published literature. The frequency of this variant in the general population (Genome Aggregation Database) is higher than would generally be expected for pathogenic variants in this gene. Analysis of this variant using bioinformatics tools for the prediction of the effect of amino acid changes on protein structure and function yielded predictions that this variant is benign. Based on the available information, we are unable to determine the clinical significance of this variant.